The following is an entry in ClinVar:

NM_002691.4(POLD1):c.350C>T (p.Pro117Leu)

Gene: POLD1 (DNA polymerase delta 1, catalytic subunit; plus strand). Cytogenetic location: 19q13.33.
Variant type: single nucleotide variant.
Coding change: c.350C>T on transcript NM_002691.4 (MANE Select); coding-DNA position 350, C replaced by T.
Protein change: p.Pro117Leu; replaces proline 117 with leucine.
Molecular consequence: missense variant. On other transcripts: non-coding transcript variant (1).
Genome position (GRCh38, 1-based): chr19:50,401,811, C>T. VCF-style: chr19-50401811-C-T. GRCh37 (hg19) VCF-style: chr19-50905068-C-T.
Other names: c.350C>T, p.Pro117Leu (NM_001256849.1, NM_001308632.1); short protein forms P117L.
Identifiers: ClinVar variation 3222739 (VCV003222739.2), dbSNP rs2122232591, ClinGen allele CA406972206.
Genomic context (GRCh38, chr19:50,401,811, plus strand): 5'-CCGCTGTCTTACCCTGTGACCCCACAGGCCCAGCGCAGCCTGTGCCTGGGGGGCCCCCAC[C>T]ATCCCGCGGCTCCGTGCCTGTGCTCCGCGCCTTCGGGGTCACCGATGAGGGGTTCTCTGT-3'
Protein context (NP_002682.2, residues 107-127): PAQPVPGGPP[Pro117Leu]SRGSVPVLRA

ClinVar aggregate classification (germline): Conflicting classifications of pathogenicity. Review status: criteria provided, conflicting classifications (1 of 4 stars). 2 submissions from 2 submitters: Uncertain significance (1); Likely benign (1). Last evaluated 2025-12-01.

Conditions:
Hereditary cancer-predisposing syndrome. Also called: Neoplastic Syndromes, Hereditary; Tumor predisposition; Hereditary Cancer Syndrome; Hereditary neoplastic syndrome. Identifiers: Orphanet 140162, MedGen C0027672, MeSH D009386, MONDO:0015356.
POLD1-related polyposis and colorectal cancer syndrome (CRCS10). Also called: Colorectal cancer 10; COLORECTAL CANCER, SUSCEPTIBILITY TO, ON CHROMOSOME 19q; Colorectal cancer, susceptibility to, 10. Identifiers: Orphanet 220460, MedGen C2675481, MONDO:0012953, OMIM 612591.

Allele frequency attached by ClinVar (database versions not stated): gnomAD exomes below 0.00001.
gnomAD v4.1: 1 of 1,613,490 alleles (0.000062%); highest among the groups gnomAD compares: Non-Finnish European, 0.000085%; no homozygotes.

Submissions (2):

Labcorp Genetics (formerly Invitae), Labcorp
Classification: Uncertain significance for POLD1-related polyposis and colorectal cancer syndrome. Last evaluated: 2025-12-01. Review status: criteria provided, single submitter. Criteria: Invitae Variant Classification Sherloc (09022015). Collection method: clinical testing. Allele origin: germline.
Comment: This sequence change replaces proline, which is neutral and non-polar, with leucine, which is neutral and non-polar, at codon 117 of the POLD1 protein (p.Pro117Leu). This variant is not present in population databases (gnomAD no frequency). This variant has not been reported in the literature in individuals affected with POLD1-related conditions. ClinVar contains an entry for this variant (Variation ID: 3222739). An algorithm developed to predict the effect of missense changes on protein structure and function outputs the following: PolyPhen-2: "Benign". The leucine amino acid residue is found in multiple mammalian species, which suggests that this missense change does not adversely affect protein function. In summary, the available evidence is currently insufficient to determine the role of this variant in disease. Therefore, it has been classified as a Variant of Uncertain Significance.

Ambry Genetics
Classification: Likely benign for Hereditary cancer-predisposing syndrome. Last evaluated: 2024-01-17. Review status: criteria provided, single submitter. Criteria: Ambry Variant Classification Scheme 2023. Collection method: clinical testing. Allele origin: germline.